The following is an entry in ClinVar:

ClinVar aggregate classification (germline): Uncertain significance (1 of 4 stars; one submission).

Conditions:
Autosomal dominant limb-girdle muscular dystrophy type 1F (LGMDD2). Also called: Limb-girdle muscular dystrophy, type 1F; MUSCULAR DYSTROPHY, LIMB-GIRDLE, AUTOSOMAL DOMINANT 2. Identifiers: Orphanet 55595, MedGen C1842062, MONDO:0012034, OMIM 608423.

Allele frequency attached by ClinVar (database versions not stated): gnomAD exomes 0.00001.
gnomAD v4.1: 5 of 1,614,070 alleles (0.00031%); highest among the groups gnomAD compares: Non-Finnish European, 0.00034%; no homozygotes.

Submission:

Labcorp Genetics (formerly Invitae), Labcorp
Classification: Uncertain significance for Autosomal dominant limb-girdle muscular dystrophy type 1F. Last evaluated: 2022-03-26. Review status: criteria provided, single submitter. Criteria: Invitae Variant Classification Sherloc (09022015). Collection method: clinical testing. Allele origin: germline.
Comment: This variant is not present in population databases (gnomAD no frequency). This sequence change replaces asparagine, which is neutral and polar, with serine, which is neutral and polar, at codon 525 of the TNPO3 protein (p.Asn525Ser). This variant has not been reported in the literature in individuals affected with TNPO3-related conditions. In summary, the available evidence is currently insufficient to determine the role of this variant in disease. Therefore, it has been classified as a Variant of Uncertain Significance. Algorithms developed to predict the effect of missense changes on protein structure and function (SIFT, PolyPhen-2, Align-GVGD) all suggest that this variant is likely to be tolerated.

NM_012470.4(TNPO3):c.1574A>G (p.Asn525Ser)

Gene: TNPO3 (transportin 3; minus strand). Cytogenetic location: 7q32.1.
Variant type: single nucleotide variant.
Coding change: c.1574A>G on transcript NM_012470.4 (MANE Select); coding-DNA position 1574, A replaced by G.
Protein change: p.Asn525Ser; replaces asparagine 525 with serine.
Molecular consequence: missense variant. On other transcripts: non-coding transcript variant (18), intron variant (2).
Genome position (GRCh38, 1-based): chr7:128,986,845, T>C on the plus strand (A>G on the coding strand, the complement: TNPO3 is on the minus strand). VCF-style: chr7-128986845-T-C. GRCh37 (hg19) VCF-style: chr7-128626899-T-C.
Other names: c.1676A>G, p.Asn559Ser (NM_001382216.1); c.1655A>G, p.Asn552Ser (NM_001382217.1); c.1574A>G, p.Asn525Ser (NM_001382218.1, NM_001382220.1); c.1466A>G, p.Asn489Ser (NM_001382219.1); c.1430A>G, p.Asn477Ser (NM_001382221.1); c.1427A>G, p.Asn476Ser (NM_001382222.1); c.1499-2586A>G (NM_001382223.1, NM_001191028.3); short protein forms N477S, N552S, N525S, N559S, N476S, N489S.
Identifiers: ClinVar variation 2163473 (VCV002163473.4), dbSNP rs1368231783, ClinGen allele CA369226386.